The following is an entry in ClinVar:

ClinVar aggregate classification (germline): Uncertain significance. Review status: criteria provided, multiple submitters, no conflicts (2 of 4 stars). 2 submissions from 2 submitters: Uncertain significance (2). Last evaluated 2022-05-30.

Conditions:
Spondylodysplastic Ehlers-Danlos syndrome. Identifiers: Orphanet 536471, Orphanet 75496, MedGen C5680154, MONDO:0007526.

Allele frequency attached by ClinVar (database versions not stated): gnomAD 0.00001; TOPMed 0.00002; 1000 Genomes Project 30x 0.00016; 1000 Genomes Project 0.00020.
gnomAD v4.1: 26 of 1,613,882 alleles (0.0016%); highest among the groups gnomAD compares: South Asian, 0.0077%; no homozygotes.

Submissions (2):

Labcorp Genetics (formerly Invitae), Labcorp
Classification: Uncertain significance for Spondylodysplastic Ehlers-Danlos syndrome. Last evaluated: 2022-05-30. Review status: criteria provided, single submitter. Criteria: Invitae Variant Classification Sherloc (09022015). Collection method: clinical testing. Allele origin: germline.
Comment: This sequence change replaces arginine, which is basic and polar, with glutamine, which is neutral and polar, at codon 125 of the B4GALT7 protein (p.Arg125Gln). This variant is present in population databases (rs568792091, gnomAD 0.007%). This variant has not been reported in the literature in individuals affected with B4GALT7-related conditions. ClinVar contains an entry for this variant (Variation ID: 849803). Algorithms developed to predict the effect of missense changes on protein structure and function output the following: SIFT: "Tolerated"; PolyPhen-2: "Benign"; Align-GVGD: "Class C0". The glutamine amino acid residue is found in multiple mammalian species, which suggests that this missense change does not adversely affect protein function. In summary, the available evidence is currently insufficient to determine the role of this variant in disease. Therefore, it has been classified as a Variant of Uncertain Significance.

GeneDx
Classification: Uncertain significance. Last evaluated: 2019-05-24. Review status: criteria provided, single submitter. Criteria: GeneDx Variant Classification Process June 2021. Collection method: clinical testing. Allele origin: germline. Affected: yes.

NM_007255.3(B4GALT7):c.374G>A (p.Arg125Gln)

Gene: B4GALT7 (beta-1,4-galactosyltransferase 7; plus strand). Cytogenetic location: 5q35.3.
Variant type: single nucleotide variant.
Coding change: c.374G>A on transcript NM_007255.3 (MANE Select); coding-DNA position 374, G replaced by A.
Protein change: p.Arg125Gln; replaces arginine 125 with glutamine.
Molecular consequence: missense variant.
Genome position (GRCh38, 1-based): chr5:177,604,502, G>A. VCF-style: chr5-177604502-G-A. GRCh37 (hg19) VCF-style: chr5-177031503-G-A.
Other names: short protein forms R125Q.
Identifiers: ClinVar variation 849803 (VCV000849803.6), dbSNP rs568792091, ClinGen allele CA3586454.
Genomic context (GRCh38, chr5:177,604,502, plus strand): 5'-TCGAGGAGCTCCTGGTCTTCGTGCCCCACATGCGCCGCTTCCTGAGCAGGAAGAAGATCC[G>A]GCACCACATCTACGTGCTCAACCAGGTGGACCACTTCAGGTAGCGCCCGCCCCCACCCTC-3'
Protein context (NP_009186.1, residues 115-135): MRRFLSRKKI[Arg125Gln]HHIYVLNQVD